The following is an entry in ClinVar:

NM_030948.6(PHACTR1):c.425G>A (p.Arg142Lys)

Gene: PHACTR1 (phosphatase and actin regulator 1; plus strand). Cytogenetic location: 6p24.1.
Variant type: single nucleotide variant.
Coding change: c.425G>A on transcript NM_030948.6 (MANE Select); coding-DNA position 425, G replaced by A.
Protein change: p.Arg142Lys; replaces arginine 142 with lysine.
Molecular consequence: missense variant.
Genome position (GRCh38, 1-based): chr6:13,160,213, G>A. VCF-style: chr6-13160213-G-A. GRCh37 (hg19) VCF-style: chr6-13160445-G-A.
Other names: c.425G>A, p.Arg142Lys (NM_001242648.4, NM_001322308.3, NM_001322309.3 and 3 more transcripts); c.149G>A, p.Arg50Lys (NM_001322311.2, NM_001322312.3, NM_001322313.2 and 1 more transcripts); c.428G>A, p.Arg143Lys (NM_001322314.4); short protein forms R142K, R143K, R50K.
Identifiers: ClinVar variation 3391515 (VCV003391515.1).

ClinVar aggregate classification (germline): Uncertain significance (1 of 4 stars; one submission).

gnomAD v4.1: 1 of 1,613,610 alleles (0.000062%); highest among the groups gnomAD compares: Non-Finnish European, 0.000085%; no homozygotes.

Submission:

GeneDx
Classification: Uncertain significance. Last evaluated: 2024-06-17. Review status: criteria provided, single submitter. Criteria: GeneDx Variant Classification Process June 2021. Collection method: clinical testing. Allele origin: germline. Affected: yes.
Comment: Not observed at significant frequency in large population cohorts (gnomAD); In silico analysis supports that this missense variant has a deleterious effect on protein structure/function; Has not been previously published as pathogenic or benign to our knowledge